The following is an entry in ClinVar:

ClinVar aggregate classification (germline): Uncertain significance (1 of 4 stars; one submission).

Conditions:
Familial hemiplegic migraine. Identifiers: MedGen C0338484, MONDO:0000700.

Submission:

Labcorp Genetics (formerly Invitae), Labcorp
Classification: Uncertain significance for Familial hemiplegic migraine. Last evaluated: 2024-08-31. Review status: criteria provided, single submitter. Criteria: Invitae Variant Classification Sherloc (09022015). Collection method: clinical testing. Allele origin: germline.
Comment: This sequence change replaces valine, which is neutral and non-polar, with leucine, which is neutral and non-polar, at codon 185 of the ATP1A2 protein (p.Val185Leu). This variant is not present in population databases (gnomAD no frequency). This variant has not been reported in the literature in individuals affected with ATP1A2-related conditions. Invitae Evidence Modeling of protein sequence and biophysical properties (such as structural, functional, and spatial information, amino acid conservation, physicochemical variation, residue mobility, and thermodynamic stability) indicates that this missense variant is not expected to disrupt ATP1A2 protein function with a negative predictive value of 80%. In summary, the available evidence is currently insufficient to determine the role of this variant in disease. Therefore, it has been classified as a Variant of Uncertain Significance.

NM_000702.4(ATP1A2):c.553G>T (p.Val185Leu)

Genes: ATP1A2 (ATPase Na+/K+ transporting subunit alpha 2; plus strand), LOC126805890 (CDK7 strongly-dependent group 2 enhancer GRCh37_chr1:160093987-160095186; plus strand). Cytogenetic location: 1q23.2.
Variant type: single nucleotide variant.
Coding change: c.553G>T on transcript NM_000702.4 (MANE Select); coding-DNA position 553, G replaced by T.
Protein change: p.Val185Leu; replaces valine 185 with leucine.
Molecular consequence: missense variant.
Genome position (GRCh38, 1-based): chr1:160,124,353, G>T. VCF-style: chr1-160124353-G-T. GRCh37 (hg19) VCF-style: chr1-160094143-G-T.
Other names: short protein forms V185L.
Identifiers: ClinVar variation 3664036 (VCV003664036.2).